The following is an entry in ClinVar:

NM_017649.5(CNNM2):c.274del (p.Ala92fs)

Gene: CNNM2 (cyclin and CBS domain divalent metal cation transport mediator 2; plus strand). Cytogenetic location: 10q24.32.
Variant type: Deletion.
Coding change: c.274del on transcript NM_017649.5 (MANE Select); coding-DNA position 274, one base deleted (G; older notation c.274delG).
Protein change: p.Ala92fs; shifts the reading frame from alanine 92.
Molecular consequence: frameshift variant.
Genome position (GRCh38, 1-based): chr10:102,918,754, G deleted; the last of 7 consecutive G bases (chr10:102,918,748-102,918,754); deleting any one gives the same sequence. VCF-style (leftmost placement, unchanged base first): chr10-102918747-AG-A. GRCh37 (hg19) VCF-style: chr10-104678504-AG-A.
Other names: c.274del, p.Ala92fs (NM_199076.3, NM_199077.3); c.274del (NM_017649.4); short protein forms A92fs.
Identifiers: ClinVar variation 3652451 (VCV003652451.4).

ClinVar aggregate classification (germline): Pathogenic. Review status: criteria provided, multiple submitters, no conflicts (2 of 4 stars). 3 submissions from 3 submitters: Pathogenic (3). Last evaluated 2026-08-01.

Submissions (3):

CeGaT Center for Human Genetics Tuebingen
Classification: Pathogenic. Last evaluated: 2026-08-01. Review status: criteria provided, single submitter. Criteria: CeGaT Center For Human Genetics Tuebingen Variant Classification Criteria Version 2. Collection method: clinical testing. Allele origin: germline. Affected: yes. Observed: 1 variant allele.
Comment: CNNM2: PVS1, PM2

GeneDx
Classification: Pathogenic. Last evaluated: 2026-02-03. Review status: criteria provided, single submitter. Criteria: GeneDx Variant Classification Process June 2021. Collection method: clinical testing. Allele origin: germline.
Comment: Frameshift variant predicted to result in protein truncation or nonsense mediated decay in a gene for which loss of function is a known mechanism of disease; Not observed at significant frequency in large population cohorts (gnomAD); Has not been previously published as pathogenic or benign to our knowledge

Labcorp Genetics (formerly Invitae), Labcorp
Classification: Pathogenic. Last evaluated: 2024-05-06. Review status: criteria provided, single submitter. Criteria: Invitae Variant Classification Sherloc (09022015). Collection method: clinical testing. Allele origin: germline.
Comment: This sequence change creates a premature translational stop signal (p.Ala92Argfs*4) in the CNNM2 gene. It is expected to result in an absent or disrupted protein product. Loss-of-function variants in CNNM2 are known to be pathogenic (PMID: 21397062, 24699222). This variant is not present in population databases (gnomAD no frequency). This variant has not been reported in the literature in individuals affected with CNNM2-related conditions. For these reasons, this variant has been classified as Pathogenic.

Literature cited by the submitters: PubMed 21397062 (cited by Labcorp Genetics (formerly Invitae), Labcorp); PubMed 24699222 (cited by Labcorp Genetics (formerly Invitae), Labcorp).